The following is an entry in ClinVar:

NM_004304.5(ALK):c.2416C>G (p.Arg806Gly)

Gene: ALK (ALK receptor tyrosine kinase; minus strand). Cytogenetic location: 2p23.2.
Variant type: single nucleotide variant.
Coding change: c.2416C>G on transcript NM_004304.5 (MANE Select); coding-DNA position 2416, C replaced by G.
Protein change: p.Arg806Gly; replaces arginine 806 with glycine.
Molecular consequence: missense variant.
Genome position (GRCh38, 1-based): chr2:29,233,636, G>C on the plus strand (C>G on the coding strand, the complement: ALK is on the minus strand). VCF-style: chr2-29233636-G-C. GRCh37 (hg19) VCF-style: chr2-29456502-G-C.
Other names: short protein forms R806G.
Identifiers: ClinVar variation 4714435 (VCV004714435.1).

ClinVar aggregate classification (germline): Uncertain significance (1 of 4 stars; one submission).

Conditions:
Neuroblastoma, susceptibility to, 3. Also called: ALK-Related Neuroblastic Tumor Susceptibility. Identifiers: Orphanet 635, MedGen C2751681, MONDO:0013083, OMIM 613014.

Submission:

Labcorp Genetics (formerly Invitae), Labcorp
Classification: Uncertain significance for Neuroblastoma, susceptibility to, 3. Last evaluated: 2025-03-05. Review status: criteria provided, single submitter. Criteria: Invitae Variant Classification Sherloc (09022015). Collection method: clinical testing. Allele origin: germline.
Comment: This sequence change replaces arginine, which is basic and polar, with glycine, which is neutral and non-polar, at codon 806 of the ALK protein (p.Arg806Gly). This variant is not present in population databases (gnomAD no frequency). This variant has not been reported in the literature in individuals affected with ALK-related conditions. An algorithm developed to predict the effect of missense changes on protein structure and function (PolyPhen-2) suggests that this variant is likely to be disruptive. In summary, the available evidence is currently insufficient to determine the role of this variant in disease. Therefore, it has been classified as a Variant of Uncertain Significance.